The following is an entry in ClinVar:

NM_015046.7(SETX):c.4520A>C (p.Asp1507Ala)

Gene: SETX (senataxin; minus strand). Cytogenetic location: 9q34.13.
Variant type: single nucleotide variant.
Coding change: c.4520A>C on transcript NM_015046.7 (MANE Select); coding-DNA position 4520, A replaced by C.
Protein change: p.Asp1507Ala; replaces aspartic acid 1507 with alanine.
Molecular consequence: missense variant.
Genome position (GRCh38, 1-based): chr9:132,327,078, T>G on the plus strand (A>C on the coding strand, the complement: SETX is on the minus strand). VCF-style: chr9-132327078-T-G. GRCh37 (hg19) VCF-style: chr9-135202465-T-G.
Other names: p.Asp1507Ala; c.4520A>C, p.Asp1507Ala (NM_001351527.2, NM_001351528.2); short protein forms D1507A.
Identifiers: ClinVar variation 1001860 (VCV001001860.14), dbSNP rs138195434, ClinGen allele CA5297183.

ClinVar aggregate classification (germline): Conflicting classifications of pathogenicity. Review status: criteria provided, conflicting classifications (1 of 4 stars). 5 submissions from 5 submitters: Uncertain significance (4); Benign (1). Last evaluated 2025-03-27.

Conditions:
Amyotrophic lateral sclerosis type 4 (ALS4). Also called: AMYOTROPHIC LATERAL SCLEROSIS 4, JUVENILE; NEURONOPATHY, DISTAL HEREDITARY MOTOR, WITH PYRAMIDAL FEATURES. Identifiers: Orphanet 357043, MedGen C1865409, MONDO:0011223, OMIM 602433.
Spinocerebellar ataxia, autosomal recessive, with axonal neuropathy 2 (SCAN2). Also called: Ataxia with Oculomotor Apraxia; Ataxia with Oculomotor Apraxia Type 2; ATAXIA-OCULOMOTOR APRAXIA 2; Ataxia-ocular apraxia-2. Identifiers: Orphanet 64753, MedGen C1853761, MONDO:0018996, OMIM 606002.
Inborn genetic diseases. Identifiers: MedGen C0950123, MeSH D030342.

Allele frequency attached by ClinVar (database versions not stated): gnomAD exomes 0.00002 and 0.00006; ExAC 0.00007; gnomAD 0.00019 and 0.00022; TOPMed 0.00029; ESP Exome Variant Server 0.00031.
gnomAD v4.1: 60 of 1,614,066 alleles (0.0037%); highest among the groups gnomAD compares: African/African-American, 0.067%; no homozygotes.

Submissions (5):

Labcorp Genetics (formerly Invitae), Labcorp
Classification: Benign for Amyotrophic lateral sclerosis type 4; Spinocerebellar ataxia, autosomal recessive, with axonal neuropathy 2. Last evaluated: 2025-03-27. Review status: criteria provided, single submitter. Criteria: Invitae Variant Classification Sherloc (09022015). Collection method: clinical testing. Allele origin: germline.

Mayo Clinic Laboratories, Mayo Clinic
Classification: Uncertain significance. Last evaluated: 2025-02-28. Review status: criteria provided, single submitter. Criteria: ACMG Guidelines, 2015. Collection method: clinical testing. Allele origin: germline. Observed: 1 variant allele.

Ambry Genetics
Classification: Uncertain significance for Inborn genetic diseases. Last evaluated: 2024-07-14. Review status: criteria provided, single submitter. Criteria: Ambry Variant Classification Scheme 2023. Collection method: clinical testing. Allele origin: germline.

GeneDx
Classification: Uncertain significance. Last evaluated: 2024-07-03. Review status: criteria provided, single submitter. Criteria: GeneDx Variant Classification Process June 2021. Collection method: clinical testing. Allele origin: germline. Affected: yes.
Comment: In silico analysis indicates that this missense variant does not alter protein structure/function; Has not been previously published as pathogenic or benign to our knowledge

Breakthrough Genomics
Classification: Uncertain significance. Review status: criteria provided, single submitter. Criteria: ACMG Guidelines, 2015. Collection method: not provided. Allele origin: germline. Inheritance: Autosomal recessive inheritance. Affected: yes.